The following is an entry in ClinVar:

ClinVar aggregate classification (germline): Benign/Likely benign. Review status: criteria provided, multiple submitters, no conflicts (2 of 4 stars). 3 submissions from 3 submitters: Benign (1); Likely benign (2). Last evaluated 2025-03-27.

Conditions:
Hereditary cancer-predisposing syndrome. Also called: Tumor predisposition; Neoplastic Syndromes, Hereditary; Hereditary Cancer Syndrome; Hereditary neoplastic syndrome. Identifiers: Orphanet 140162, MedGen C0027672, MeSH D009386, MONDO:0015356.
Hereditary leiomyomatosis and renal cell cancer. Also called: FH tumor predisposition syndrome; MULTIPLE CUTANEOUS AND UTERINE LEIOMYOMATA 1, WITH OR WITHOUT RENAL CELL CARCINOMA; LEIOMYOMA, MULTIPLE CUTANEOUS; Reed syndrome; Multiple cutaneous and uterine leiomyomatosis; Cutaneous leiomyomata with uterine leiomyomata. Identifiers: Orphanet 523, MedGen C1708350, MONDO:0007888, OMIM 150800, HP:0007437. Disease mechanism: loss of function.

Submissions (3):

Labcorp Genetics (formerly Invitae), Labcorp
Classification: Likely benign. Last evaluated: 2025-03-27. Review status: criteria provided, single submitter. Criteria: Invitae Variant Classification Sherloc (09022015). Collection method: clinical testing. Allele origin: germline.

Ambry Genetics
Classification: Likely benign for Hereditary cancer-predisposing syndrome. Last evaluated: 2024-12-04. Review status: criteria provided, single submitter. Criteria: Ambry Variant Classification Scheme 2023. Collection method: clinical testing. Allele origin: germline.

Myriad Genetics, Inc.
Classification: Benign for Hereditary leiomyomatosis and renal cell cancer. Last evaluated: 2024-10-18. Review status: criteria provided, single submitter. Criteria: Myriad Autosomal Dominant, Autosomal Recessive and X-Linked Classification Criteria (2023). Collection method: clinical testing. Allele origin: unknown.
Comment: This variant is considered benign. This variant is a silent/synonymous amino acid change and it is not expected to impact splicing.

NM_000143.4(FH):c.744T>C (p.Phe248=)

Gene: FH (fumarate hydratase; minus strand). Cytogenetic location: 1q43.
Variant type: single nucleotide variant.
Coding change: c.744T>C on transcript NM_000143.4 (MANE Select); coding-DNA position 744, T replaced by C.
Protein change: p.Phe248=; no amino-acid change (phenylalanine 248 retained).
Molecular consequence: synonymous variant.
Genome position (GRCh38, 1-based): chr1:241,506,163, A>G on the plus strand (T>C on the coding strand, the complement: FH is on the minus strand). VCF-style: chr1-241506163-A-G. GRCh37 (hg19) VCF-style: chr1-241669463-A-G.
Other names: c.744T>C (NM_000143.3).
Identifiers: ClinVar variation 1544496 (VCV001544496.10), dbSNP rs200094834, ClinGen allele CA424075982.
Genomic context (GRCh38, chr1:241,506,163, plus strand): 5'-TCTTGGCATGGCAGCTTTTATTCTTGTCATTGCATATTTTACTTGTTGAACATAACCACT[A>G]AATTCCTGAAAAGAAAAGAAAATTAAGGTAAGAATAAGTAATTCCTAATAGCTTACAAGT-3'
Protein context (NP_000134.2, residues 238-258): DAVPLTLGQE[Phe248=]SGYVQQVKYA